The following is an entry in ClinVar:

ClinVar aggregate classification (germline): Likely benign. Review status: criteria provided, single submitter (1 of 4 stars). 2 submissions from 2 submitters: Likely benign (1). 1 of the submissions does not count toward it. Last evaluated 2022-11-16.

Conditions:
SDCCAG8-related disorder. Also called: SDCCAG8-related condition; SDCCAG8-Related Disorders.

gnomAD v4.1: 5 of 1,613,958 alleles (0.00031%); highest among the groups gnomAD compares: Non-Finnish European, 0.00042%; no homozygotes.

Submissions (2):

Blueprint Genetics
Classification: Likely benign. Last evaluated: 2022-11-16. Review status: criteria provided, single submitter. Criteria: ACMG Guidelines, 2015. Collection method: clinical testing. Allele origin: germline.

PreventionGenetics, part of Exact Sciences
Classification: Likely benign for SDCCAG8-related condition. Last evaluated: 2024-01-05. Review status: no assertion criteria provided. Collection method: clinical testing. Allele origin: germline. Not counted in ClinVar's aggregate classification.
Comment: This variant is classified as likely benign based on ACMG/AMP sequence variant interpretation guidelines (Richards et al. 2015 PMID: 25741868, with internal and published modifications).

NM_006642.5(SDCCAG8):c.1551C>G (p.Ala517=)

Gene: SDCCAG8 (SHH signaling and ciliogenesis regulator SDCCAG8; plus strand). Cytogenetic location: 1q43.
Variant type: single nucleotide variant.
Coding change: c.1551C>G on transcript NM_006642.5 (MANE Select); coding-DNA position 1551, C replaced by G.
Protein change: p.Ala517=; no amino-acid change (alanine 517 retained).
Molecular consequence: synonymous variant.
Genome position (GRCh38, 1-based): chr1:243,378,798, C>G. VCF-style: chr1-243378798-C-G. GRCh37 (hg19) VCF-style: chr1-243542100-C-G.
Other names: c.648C>G, p.Ala216= (NM_001350246.2, NM_001350247.2, NM_001350251.2); c.1647C>G, p.Ala549= (NM_001350248.2); c.1257C>G, p.Ala419= (NM_001350249.2).
Identifiers: ClinVar variation 3348337 (VCV003348337.2).